The following is an entry in ClinVar:

NM_016507.4(CDK12):c.2912C>A (p.Thr971Asn)

Gene: CDK12 (cyclin dependent kinase 12; plus strand). Cytogenetic location: 17q12.
Variant type: single nucleotide variant.
Coding change: c.2912C>A on transcript NM_016507.4 (MANE Select); coding-DNA position 2912, C replaced by A.
Protein change: p.Thr971Asn; replaces threonine 971 with asparagine.
Molecular consequence: missense variant.
Genome position (GRCh38, 1-based): chr17:39,517,505, C>A. VCF-style: chr17-39517505-C-A. GRCh37 (hg19) VCF-style: chr17-37673758-C-A.
Other names: c.2912C>A, p.Thr971Asn (NM_015083.4); short protein forms T971N.
Identifiers: ClinVar variation 4651330 (VCV004651330.1).
Genomic context (GRCh38, chr17:39,517,505, plus strand): 5'-TTTGTGGTAGCCCTTGTCCAGCTGTGTGGCCTGATGTTATCAAACTGCCCTACTTCAACA[C>A]CATGAAACCGAAGAAGCAATATCGAAGGCGTCTACGAGAAGAATTCTCTTTGTGAGTTTG-3'
Protein context (NP_057591.2, residues 961-981): PDVIKLPYFN[Thr971Asn]MKPKKQYRRR

ClinVar aggregate classification (germline): Uncertain significance (1 of 4 stars; one submission).

Submission:

Ambry Genetics
Classification: Uncertain significance. Last evaluated: 2025-09-26. Review status: criteria provided, single submitter. Criteria: Ambry Variant Classification Scheme 2023. Collection method: clinical testing. Allele origin: germline.
Comment: The p.T971N variant (also known as c.2912C>A), located in coding exon 10 of the CDK12 gene, results from a C to A substitution at nucleotide position 2912. The threonine at codon 971 is replaced by asparagine, an amino acid with similar properties. This amino acid position is conserved. In addition, this alteration is predicted to be tolerated by in silico analysis. Based on the available evidence, the clinical significance of this variant remains unclear.